The following is an entry in ClinVar:

NM_001278298.2(COL6A5):c.5760G>A (p.Val1920=)

Gene: COL6A5 (collagen type VI alpha 5 chain; plus strand). Cytogenetic location: 3q22.1.
Variant type: single nucleotide variant.
Coding change: c.5760G>A on transcript NM_001278298.2 (MANE Select); coding-DNA position 5760, G replaced by A.
Protein change: p.Val1920=; no amino-acid change (valine 1920 retained).
Molecular consequence: synonymous variant. On other transcripts: non-coding transcript variant (1).
Genome position (GRCh38, 1-based): chr3:130,439,548, G>A. VCF-style: chr3-130439548-G-A. GRCh37 (hg19) VCF-style: chr3-130158392-G-A.
Other names: c.5760G>A, p.Val1920= (NM_001412157.1, NM_153264.7).
Identifiers: ClinVar variation 3234498 (VCV003234498.20), dbSNP rs777898583, ClinGen allele CA2611356.

ClinVar aggregate classification (germline): Likely benign (1 of 4 stars; one submission).

Allele frequency attached by ClinVar (database versions not stated): ExAC 0.00005; gnomAD 0.00017; TOPMed 0.00025; gnomAD exomes 0.00033.
gnomAD v4.1: 516 of 1,550,928 alleles (0.033%); highest among the groups gnomAD compares: Non-Finnish European, 0.041%; no homozygotes.

Submission:

CeGaT Center for Human Genetics Tuebingen
Classification: Likely benign. Last evaluated: 2024-04-01. Review status: criteria provided, single submitter. Criteria: CeGaT Center For Human Genetics Tuebingen Variant Classification Criteria Version 2. Collection method: clinical testing. Allele origin: germline. Affected: yes. Observed: 1 variant allele.
Comment: COL6A5: BP4